The following is an entry in ClinVar:

NM_012471.3(TRPC5):c.25G>T (p.Val9Phe)

Gene: TRPC5 (transient receptor potential cation channel subfamily C member 5; minus strand). Cytogenetic location: Xq23.
Variant type: single nucleotide variant.
Coding change: c.25G>T on transcript NM_012471.3 (MANE Select); coding-DNA position 25, G replaced by T.
Protein change: p.Val9Phe; replaces valine 9 with phenylalanine.
Molecular consequence: missense variant.
Genome position (GRCh38, 1-based): chrX:111,952,396, C>A on the plus strand (G>T on the coding strand, the complement: TRPC5 is on the minus strand). VCF-style: chrX-111952396-C-A. GRCh37 (hg19) VCF-style: chrX-111195624-C-A.
Other names: short protein forms V9F.
Identifiers: ClinVar variation 3348068 (VCV003348068.1).

ClinVar aggregate classification (germline): Uncertain significance (0 of 4 stars; one submission).

Conditions:
TRPC5-related disorder. Also called: TRPC5-related condition.

gnomAD v4.1: 2 of 1,206,737 alleles (0.00017%); no homozygotes.

Submission:

PreventionGenetics, part of Exact Sciences
Classification: Uncertain significance for TRPC5-related condition. Last evaluated: 2023-11-10. Review status: no assertion criteria provided. Collection method: clinical testing. Allele origin: germline.
Comment: The TRPC5 c.25G>T variant is predicted to result in the amino acid substitution p.Val9Phe. To our knowledge, this variant has not been reported in the literature or in a large population database, indicating this variant is rare. At this time, the clinical significance of this variant is uncertain due to the absence of conclusive functional and genetic evidence.